The following is an entry in ClinVar:

ClinVar aggregate classification (germline): Likely pathogenic (1 of 4 stars; one submission).

Conditions:
Idiopathic nephrotic syndrome. Also called: Nephrotic syndrome, idiopathic, steroid-resistant. Identifiers: Orphanet 357502, MedGen C3496337, MONDO:0018170.

Submission:

Women's Health and Genetics/Laboratory Corporation of America, LabCorp
Classification: Likely pathogenic for Idiopathic nephrotic syndrome. Last evaluated: 2024-09-30. Review status: criteria provided, single submitter. Criteria: LabCorp Variant Classification Summary - May 2015. Collection method: clinical testing. Allele origin: germline.
Comment: Variant summary: NPHS2 c.637G>A (p.Ala213Thr) results in a non-conservative amino acid change located in the Band 7 domain (IPR001107) of the encoded protein sequence. Five of five in-silico tools predict a damaging effect of the variant on protein function. The variant was absent in 251232 control chromosomes. c.637G>A has been reported in the literature in two homozugous individuals affected with Nephrotic Syndrome, Type 2 (Berdeli_2007). These data indicate that the variant is likely to be associated with disease. To our knowledge, no experimental evidence demonstrating an impact on protein function has been reported. The following publication have been ascertained in the context of this evaluation (PMID: 17899208). No submitters have cited clinical-significance assessments for this variant to ClinVar. Based on the evidence outlined above, the variant was classified as likely pathogenic.

Literature cited by the submitters: PubMed 17899208.

NM_014625.4(NPHS2):c.637G>A (p.Ala213Thr)

Gene: NPHS2 (NPHS2 stomatin family member, podocin; minus strand). Cytogenetic location: 1q25.2.
Variant type: single nucleotide variant.
Coding change: c.637G>A on transcript NM_014625.4 (MANE Select); coding-DNA position 637, G replaced by A.
Protein change: p.Ala213Thr; replaces alanine 213 with threonine.
Molecular consequence: missense variant. On other transcripts: intron variant (1).
Genome position (GRCh38, 1-based): chr1:179,557,128, C>T on the plus strand (G>A on the coding strand, the complement: NPHS2 is on the minus strand). VCF-style: chr1-179557128-C-T. GRCh37 (hg19) VCF-style: chr1-179526263-C-T.
Other names: c.534+2551G>A (NM_001297575.2); short protein forms A213T.
Identifiers: ClinVar variation 3375428 (VCV003375428.1).